The following is an entry in ClinVar:

NM_001291303.3(FAT4):c.390C>T (p.Asp130=)

Gene: FAT4 (FAT atypical cadherin 4; plus strand). Cytogenetic location: 4q28.1.
Variant type: single nucleotide variant.
Coding change: c.390C>T on transcript NM_001291303.3 (MANE Select); coding-DNA position 390, C replaced by T.
Protein change: p.Asp130=; no amino-acid change (aspartic acid 130 retained).
Molecular consequence: synonymous variant.
Genome position (GRCh38, 1-based): chr4:125,316,801, C>T. VCF-style: chr4-125316801-C-T. GRCh37 (hg19) VCF-style: chr4-126237956-C-T.
Other names: c.390C>T, p.Asp130= (NM_001291285.3, NM_024582.6); c.390C>T (NM_024582.4).
Identifiers: ClinVar variation 1606074 (VCV001606074.11), dbSNP rs373639016, ClinGen allele CA3071801.

ClinVar aggregate classification (germline): Likely benign. Review status: criteria provided, multiple submitters, no conflicts (2 of 4 stars). 3 submissions from 3 submitters: Likely benign (2). 1 of the submissions does not count toward it. Last evaluated 2026-01-01.

Conditions:
FAT4-related disorder. Also called: FAT4-related condition.

Allele frequency attached by ClinVar (database versions not stated): ExAC 0.00003; gnomAD exomes 0.00006 and 0.00007; ESP Exome Variant Server 0.00008; TOPMed 0.00010; gnomAD 0.00012 and 0.00013.
gnomAD v4.1: 123 of 1,613,950 alleles (0.0076%); highest among the groups gnomAD compares: Admixed American, 0.018%; no homozygotes.

Submissions (3):

Labcorp Genetics (formerly Invitae), Labcorp
Classification: Likely benign. Last evaluated: 2026-01-01. Review status: criteria provided, single submitter. Criteria: Invitae Variant Classification Sherloc (09022015). Collection method: clinical testing. Allele origin: germline.

Blueprint Genetics
Classification: Likely benign. Last evaluated: 2024-05-15. Review status: criteria provided, single submitter. Criteria: ACMG Guidelines, 2015. Collection method: clinical testing. Allele origin: germline.

PreventionGenetics, part of Exact Sciences
Classification: Likely benign for FAT4-related condition. Last evaluated: 2020-08-05. Review status: no assertion criteria provided. Collection method: clinical testing. Allele origin: germline. Not counted in ClinVar's aggregate classification.
Comment: This variant is classified as likely benign based on ACMG/AMP sequence variant interpretation guidelines (Richards et al. 2015 PMID: 25741868, with internal and published modifications).